The following is an entry in ClinVar:

ClinVar aggregate classification (germline): Likely benign (1 of 4 stars; one submission).

Allele frequency attached by ClinVar (database versions not stated): gnomAD exomes 0.00001; TOPMed 0.00002; gnomAD 0.00003.
gnomAD v4.1: 21 of 1,602,414 alleles (0.0013%); highest among the groups gnomAD compares: Non-Finnish European, 0.0017%; no homozygotes.

Submission:

CeGaT Center for Human Genetics Tuebingen
Classification: Likely benign. Last evaluated: 2023-03-01. Review status: criteria provided, single submitter. Criteria: CeGaT Center For Human Genetics Tuebingen Variant Classification Criteria Version 2. Collection method: clinical testing. Allele origin: germline. Affected: yes. Observed: 1 variant allele.
Comment: ABCA2: BP4, BP7

NM_001606.5(ABCA2):c.4056T>C (p.Ser1352=)

Gene: ABCA2 (ATP binding cassette subfamily A member 2; minus strand). Cytogenetic location: 9q34.3.
Variant type: single nucleotide variant.
Coding change: c.4056T>C on transcript NM_001606.5 (MANE Select); coding-DNA position 4056, T replaced by C.
Protein change: p.Ser1352=; no amino-acid change (serine 1352 retained).
Molecular consequence: synonymous variant.
Genome position (GRCh38, 1-based): chr9:137,014,352, A>G on the plus strand (T>C on the coding strand, the complement: ABCA2 is on the minus strand). VCF-style: chr9-137014352-A-G. GRCh37 (hg19) VCF-style: chr9-139908804-A-G.
Other names: c.4053T>C, p.Ser1351= (NM_001411042.1); c.4146T>C, p.Ser1382= (NM_212533.3).
Identifiers: ClinVar variation 2659779 (VCV002659779.24), dbSNP rs1170461229, ClinGen allele CA467844934.